The following is an entry in ClinVar:

ClinVar aggregate classification (germline): Uncertain significance (1 of 4 stars; one submission).

Conditions:
Inborn genetic diseases. Identifiers: MedGen C0950123, MeSH D030342.

Submission:

Ambry Genetics
Classification: Uncertain significance for Inborn genetic diseases. Last evaluated: 2026-06-16. Review status: criteria provided, single submitter. Criteria: Ambry Variant Classification Scheme 2023. Collection method: clinical testing. Allele origin: germline.
Comment: The p.R866T variant (also known as c.2597G>C), located in coding exon 27 of the RTEL1 gene, results from a G to C substitution at nucleotide position 2597. The arginine at codon 866 is replaced by threonine, an amino acid with similar properties. This amino acid position is conserved. In addition, this alteration is predicted to be tolerated by in silico analysis. Based on the available evidence, the clinical significance of this variant remains unclear.

NM_001283009.2(RTEL1):c.2597G>C (p.Arg866Thr)

Genes: RTEL1 (regulator of telomere elongation helicase 1; plus strand), RTEL1-TNFRSF6B (RTEL1-TNFRSF6B readthrough (NMD candidate); plus strand). Cytogenetic location: 20q13.33.
Variant type: single nucleotide variant.
Coding change: c.2597G>C on transcript NM_001283009.2 (MANE Select); coding-DNA position 2597, G replaced by C.
Protein change: p.Arg866Thr; replaces arginine 866 with threonine.
Molecular consequence: missense variant. On other transcripts: non-coding transcript variant (1).
Genome position (GRCh38, 1-based): chr20:63,691,782, G>C. VCF-style: chr20-63691782-G-C. GRCh37 (hg19) VCF-style: chr20-62323135-G-C.
Other names: c.1928G>C, p.Arg643Thr (NM_001283010.1); c.2597G>C, p.Arg866Thr (NM_016434.4); c.2669G>C, p.Arg890Thr (NM_032957.5); short protein forms R643T, R866T, R890T.
Identifiers: ClinVar variation 5028456 (VCV005028456.1).